The following is an entry in ClinVar:

NM_012213.3(MLYCD):c.622G>A (p.Val208Met)

Gene: MLYCD (malonyl-CoA decarboxylase; plus strand). Cytogenetic location: 16q23.3.
Variant type: single nucleotide variant.
Coding change: c.622G>A on transcript NM_012213.3 (MANE Select); coding-DNA position 622, G replaced by A.
Protein change: p.Val208Met; replaces valine 208 with methionine.
Molecular consequence: missense variant.
Genome position (GRCh38, 1-based): chr16:83,907,080, G>A. VCF-style: chr16-83907080-G-A. GRCh37 (hg19) VCF-style: chr16-83940685-G-A.
Other names: short protein forms V208M.
Identifiers: ClinVar variation 1424488 (VCV001424488.4), dbSNP rs1419499874, ClinGen allele CA396918714.

ClinVar aggregate classification (germline): Uncertain significance (1 of 4 stars; one submission).

Conditions:
Deficiency of malonyl-CoA decarboxylase. Also called: Malonic aciduria; MCD deficiency. Identifiers: Orphanet 943, MedGen C0342793, MONDO:0009556, OMIM 248360.

Allele frequency attached by ClinVar (database versions not stated): gnomAD exomes below 0.00001; TOPMed below 0.00001.
gnomAD v4.1: 2 of 1,613,966 alleles (0.00012%); highest among the groups gnomAD compares: Non-Finnish European, 0.000085%; no homozygotes.

Submission:

Labcorp Genetics (formerly Invitae), Labcorp
Classification: Uncertain significance for Deficiency of malonyl-CoA decarboxylase. Last evaluated: 2025-05-05. Review status: criteria provided, single submitter. Criteria: Invitae Variant Classification Sherloc (09022015). Collection method: clinical testing. Allele origin: germline.
Comment: This sequence change replaces valine, which is neutral and non-polar, with methionine, which is neutral and non-polar, at codon 208 of the MLYCD protein (p.Val208Met). This variant is present in population databases (no rsID available, gnomAD 0.0009%). This variant has not been reported in the literature in individuals affected with MLYCD-related conditions. ClinVar contains an entry for this variant (Variation ID: 1424488). An algorithm developed to predict the effect of missense changes on protein structure and function outputs the following: PolyPhen-2: "Benign". The methionine amino acid residue is found in multiple mammalian species, which suggests that this missense change does not adversely affect protein function. In summary, the available evidence is currently insufficient to determine the role of this variant in disease. Therefore, it has been classified as a Variant of Uncertain Significance.